The following is an entry in ClinVar:

ClinVar aggregate classification (germline): Uncertain significance (1 of 4 stars; one submission).

Conditions:
Cystic fibrosis (CF). Also called: MUCOVISCIDOSIS. Identifiers: Orphanet 586, MedGen C0010674, MONDO:0009061, OMIM 219700. Disease mechanism: loss of function.

Allele frequency attached by ClinVar (database versions not stated): gnomAD 0.00001.
gnomAD v4.1: 1 of 1,613,408 alleles (0.000062%); highest among the groups gnomAD compares: African/African-American, 0.0013%; no homozygotes.

Submission:

Ambry Genetics
Classification: Uncertain significance for Cystic fibrosis. Last evaluated: 2022-07-27. Review status: criteria provided, single submitter. Criteria: Ambry Variant Classification Scheme 2023. Collection method: clinical testing. Allele origin: germline.
Comment: The p.A1031G variant (also known as c.3092C>G), located in coding exon 19 of the CFTR gene, results from a C to G substitution at nucleotide position 3092. The alanine at codon 1031 is replaced by glycine, an amino acid with similar properties. This amino acid position is conserved. In addition, the in silico prediction for this alteration is inconclusive. Since supporting evidence is limited at this time, the clinical significance of this alteration remains unclear.

NM_000492.4(CFTR):c.3092C>G (p.Ala1031Gly)

Genes: CFTR (CF transmembrane conductance regulator; plus strand), CFTR-AS2 (CFTR antisense RNA 2; minus strand), LOC111674472 (DNase I hypersensitive sites in introns 16 and 17a of CFTR; plus strand). Cytogenetic location: 7q31.2.
Variant type: single nucleotide variant.
Coding change: c.3092C>G on transcript NM_000492.4 (MANE Select); coding-DNA position 3092, C replaced by G.
Protein change: p.Ala1031Gly; replaces alanine 1031 with glycine.
Molecular consequence: missense variant.
Genome position (GRCh38, 1-based): chr7:117,610,622, C>G. VCF-style: chr7-117610622-C-G. GRCh37 (hg19) VCF-style: chr7-117250676-C-G.
Other names: short protein forms A1031G.
Identifiers: ClinVar variation 1727475 (VCV001727475.2), dbSNP rs779196228, ClinGen allele CA368990766.